The following is an entry in ClinVar:

ClinVar aggregate classification (germline): Uncertain significance (1 of 4 stars; one submission).

Conditions:
Amyotrophic lateral sclerosis type 21. Also called: VOCAL CORD AND PHARYNGEAL DYSFUNCTION WITH DISTAL MYOPATHY; MYOPATHY, DISTAL, 2. Identifiers: Orphanet 600, Orphanet 803, MedGen C3807521, MONDO:0011632, OMIM 606070.

gnomAD v4.1: 2 of 1,602,476 alleles (0.00012%); highest among the groups gnomAD compares: African/African-American, 0.0027%; no homozygotes.

Submission:

Labcorp Genetics (formerly Invitae), Labcorp
Classification: Uncertain significance for Amyotrophic lateral sclerosis type 21. Last evaluated: 2025-04-13. Review status: criteria provided, single submitter. Criteria: Invitae Variant Classification Sherloc (09022015). Collection method: clinical testing. Allele origin: germline.
Comment: This sequence change replaces glycine, which is neutral and non-polar, with arginine, which is basic and polar, at codon 377 of the MATR3 protein (p.Gly377Arg). This variant also falls at the last nucleotide of exon 8, which is part of the consensus splice site for this exon. This variant is not present in population databases (gnomAD no frequency). This variant has not been reported in the literature in individuals affected with MATR3-related conditions. ClinVar contains an entry for this variant (Variation ID: 3688939). An algorithm developed to predict the effect of missense changes on protein structure and function (PolyPhen-2) suggests that this variant is likely to be tolerated. Variants that disrupt the consensus splice site are a relatively common cause of aberrant splicing (PMID: 17576681, 9536098). Algorithms developed to predict the effect of sequence changes on RNA splicing suggest that this variant may disrupt the consensus splice site. In summary, the available evidence is currently insufficient to determine the role of this variant in disease. Therefore, it has been classified as a Variant of Uncertain Significance.

Literature cited by the submitters: PubMed 17576681; PubMed 9536098.

NM_018834.6(MATR3):c.1129G>C (p.Gly377Arg)

Gene: MATR3 (matrin 3; plus strand). Cytogenetic location: 5q31.2.
Variant type: single nucleotide variant.
Coding change: c.1129G>C on transcript NM_018834.6 (MANE Select); coding-DNA position 1129, G replaced by C.
Protein change: p.Gly377Arg; replaces glycine 377 with arginine.
Molecular consequence: missense variant.
Genome position (GRCh38, 1-based): chr5:139,316,188, G>C. VCF-style: chr5-139316188-G-C. GRCh37 (hg19) VCF-style: chr5-138651877-G-C.
Other names: c.1129G>C, p.Gly377Arg (NM_001194954.2, NM_001194955.2, NM_001400441.1 and 16 more transcripts); c.265G>C, p.Gly89Arg (NM_001194956.2); c.115G>C, p.Gly39Arg (NM_001282278.2, NM_001400460.1, NM_001400462.1 and 5 more transcripts); c.268G>C, p.Gly90Arg (NM_001400459.1); c.229G>C, p.Gly77Arg (NM_001400461.1); short protein forms G77R, G377R, G39R, G89R, G90R.
Identifiers: ClinVar variation 3688939 (VCV003688939.2).
Genomic context (GRCh38, chr5:139,316,188, plus strand): 5'-GGACCTCCACCTCCCTCATTTCATCTTGGGGGACCAGCAGTTGGACCAAGAGGAAATCTG[G>C]GTAATTATATAAAATTCATGTTACTTTTCCCTACAGAGCCGTTACTGAAAATTTTTCTTT-3'
Protein context (NP_061322.2, residues 367-387): GPAVGPRGNL[Gly377Arg]AGNGNLQGPR